The following is an entry in ClinVar:

ClinVar aggregate classification (germline): Benign (1 of 4 stars; one submission).

Conditions:
Gamma-aminobutyric acid transaminase deficiency (GABATD). Also called: GABA aminotransaminase deficiency; GABA transaminase deficiency; Gamma aminobutyrate transaminase deficiency; 4 alpha aminobutyrate transaminase deficiency. Identifiers: Orphanet 2066, MedGen C0342708, MONDO:0013166, OMIM 613163.

Allele frequency attached by ClinVar (database versions not stated): gnomAD 0.00071 and 0.00091; TOPMed 0.00117; 1000 Genomes Project 0.00359; 1000 Genomes Project 30x 0.00359.

Submission:

Illumina Laboratory Services, Illumina
Classification: Benign for Gamma-aminobutyric acid transaminase deficiency. Last evaluated: 2018-01-13. Review status: criteria provided, single submitter. Criteria: ICSL Variant Classification Criteria 13 December 2019. Collection method: clinical testing. Allele origin: germline.
Comment: This variant was observed in the ICSL laboratory as part of a predisposition screen in an ostensibly healthy population. It had not been previously curated by ICSL or reported in the Human Gene Mutation Database (HGMD: prior to June 1st, 2018), and was therefore a candidate for classification through an automated scoring system. Utilizing variant allele frequency, disease prevalence and penetrance estimates, and inheritance mode, an automated score was calculated to assess if this variant is too frequent to cause the disease. Based on the score and internal cut-off values, a variant classified as benign is not then subjected to further curation. The score for this variant resulted in a classification of benign for this disease.

NM_020686.6(ABAT):c.*2986T>C

Gene: ABAT (4-aminobutyrate aminotransferase; plus strand). Cytogenetic location: 16p13.2.
Variant type: single nucleotide variant.
Coding change: c.*2986T>C on transcript NM_020686.6 (MANE Select); 2986 bases downstream of the stop codon, T replaced by C.
Molecular consequence: 3 prime UTR variant.
Genome position (GRCh38, 1-based): chr16:8,784,416, T>C. VCF-style: chr16-8784416-T-C. GRCh37 (hg19) VCF-style: chr16-8878273-T-C.
Other names: c.*2986T>C (NM_000663.5, NM_001127448.2, NM_001386600.1 and 14 more transcripts); c.*3000T>C (NM_001386609.1, NM_001386616.1).
Identifiers: ClinVar variation 321150 (VCV000321150.5), dbSNP rs79763179, ClinGen allele CA10649132.